The following is an entry in ClinVar:

ClinVar aggregate classification (germline): Uncertain significance (1 of 4 stars; one submission).

Conditions:
Epileptic encephalopathy. Identifiers: MedGen C0543888, HP:0200134.

gnomAD v4.1: 20 of 1,608,972 alleles (0.0012%); highest among the groups gnomAD compares: Non-Finnish European, 0.00026%; no homozygotes.

Submission:

Labcorp Genetics (formerly Invitae), Labcorp
Classification: Uncertain significance for Epileptic encephalopathy. Last evaluated: 2024-12-02. Review status: criteria provided, single submitter. Criteria: Invitae Variant Classification Sherloc (09022015). Collection method: clinical testing. Allele origin: germline.
Comment: This sequence change replaces isoleucine, which is neutral and non-polar, with valine, which is neutral and non-polar, at codon 512 of the GABBR2 protein (p.Ile512Val). This variant is present in population databases (rs774732804, gnomAD 0.03%). This variant has not been reported in the literature in individuals affected with GABBR2-related conditions. Invitae Evidence Modeling of protein sequence and biophysical properties (such as structural, functional, and spatial information, amino acid conservation, physicochemical variation, residue mobility, and thermodynamic stability) indicates that this missense variant is not expected to disrupt GABBR2 protein function with a negative predictive value of 80%. In summary, the available evidence is currently insufficient to determine the role of this variant in disease. Therefore, it has been classified as a Variant of Uncertain Significance.

NM_005458.8(GABBR2):c.1534A>G (p.Ile512Val)

Gene: GABBR2 (gamma-aminobutyric acid type B receptor subunit 2; minus strand). Cytogenetic location: 9q22.33.
Variant type: single nucleotide variant.
Coding change: c.1534A>G on transcript NM_005458.8 (MANE Select); coding-DNA position 1534, A replaced by G.
Protein change: p.Ile512Val; replaces isoleucine 512 with valine.
Molecular consequence: missense variant.
Genome position (GRCh38, 1-based): chr9:98,385,768, T>C on the plus strand (A>G on the coding strand, the complement: GABBR2 is on the minus strand). VCF-style: chr9-98385768-T-C. GRCh37 (hg19) VCF-style: chr9-101148050-T-C.
Other names: short protein forms I512V.
Identifiers: ClinVar variation 3704354 (VCV003704354.2).